The following is an entry in ClinVar:

ClinVar aggregate classification (germline): Pathogenic. Review status: criteria provided, multiple submitters, no conflicts (2 of 4 stars). 4 submissions from 4 submitters: Pathogenic (2). 2 of the submissions do not count toward it. Last evaluated 2024-10-08.

Conditions:
RDH12-related disorder. Also called: RDH12-related disorders; RDH12-related condition.
Retinitis pigmentosa (RP). Identifiers: Orphanet 791, MedGen C0035334, MeSH D012174, MONDO:0019200, OMIM 268000. Inheritance: Autosomal dominant, autosomal recessive and X linked inheritance.
Leber congenital amaurosis 13 (LCA13). Identifiers: MedGen C2675186, MONDO:0012990, OMIM 612712.
Retinitis pigmentosa 53 (RP53). Identifiers: MedGen C3150208, MONDO:0800348.

Submissions (4):

Labcorp Genetics (formerly Invitae), Labcorp
Classification: Pathogenic for Leber congenital amaurosis 13. Last evaluated: 2024-10-08. Review status: criteria provided, single submitter. Criteria: Invitae Variant Classification Sherloc (09022015). Collection method: clinical testing. Allele origin: germline.
Comment: This sequence change creates a premature translational stop signal (p.Glu260Argfs*18) in the RDH12 gene. While this is not anticipated to result in nonsense mediated decay, it is expected to disrupt the last 57 amino acid(s) of the RDH12 protein. This variant is not present in population databases (gnomAD no frequency). This premature translational stop signal has been observed in individual(s) with autosomal dominant RDH12-related conditions (PMID: 18779497). It has also been observed to segregate with disease in related individuals. This variant is also known as c.776delG. ClinVar contains an entry for this variant (Variation ID: 143163). For these reasons, this variant has been classified as Pathogenic.

Blueprint Genetics
Classification: Pathogenic for RDH12-related disorders. Last evaluated: 2019-02-26. Review status: criteria provided, single submitter. Criteria: ACMG Guidelines, 2015. Collection method: clinical testing. Allele origin: germline. Affected: yes. Observed: 1 variant allele.

OMIM
Classification: Pathogenic for RETINITIS PIGMENTOSA 53. Last evaluated: 2008-09-01. Review status: no assertion criteria provided. Collection method: literature only. Allele origin: germline. Not counted in ClinVar's aggregate classification.

Department of Ophthalmology and Visual Sciences Kyoto University
Classification: Pathogenic for Retinitis pigmentosa. Review status: no assertion criteria provided. Collection method: not provided. Allele origin: unknown. Not counted in ClinVar's aggregate classification.
ClinVar note: Converted during submission from pathogenic to Pathogenic.

Literature cited by the submitters: PubMed 18779497 (cited by Labcorp Genetics (formerly Invitae), Labcorp and OMIM).

NM_152443.3(RDH12):c.778del (p.Glu260fs)

Genes: GPHN (gephyrin; plus strand), RDH12 (retinol dehydrogenase 12; plus strand), ZFYVE26 (zinc finger FYVE-type containing 26; minus strand). Cytogenetic location: 14q24.1.
Variant type: Deletion.
Coding change: c.778del on transcript NM_152443.3 (MANE Select); coding-DNA position 778, one base deleted (G; older notation c.778delG).
Protein change: p.Glu260fs; shifts the reading frame from glutamic acid 260.
Molecular consequence: frameshift variant.
Genome position (GRCh38, 1-based): chr14:67,729,310, G deleted; the last of 3 consecutive G bases (chr14:67,729,308-67,729,310); deleting any one gives the same sequence. VCF-style (leftmost placement, unchanged base first): chr14-67729307-CG-C. GRCh37 (hg19) VCF-style: chr14-68196024-CG-C.
Other names: c.778del (NM_152443.2); c.776del (NM_152443.3); short protein forms E260fs.
Identifiers: ClinVar variation 143163 (VCV000143163.13), dbSNP rs527236099, ClinGen allele CA270128.
Genomic context (GRCh38, chr14:67,729,307, plus strand): 5'-CGGCACTCCTCCCTGCTCTGCCTGCTCTGGCGGCTCTTCTCCCCCTTTGTCAAGACGGCA[CG>C]GGAGGGGGCGCAGACCAGCCTGCACTGCGCCCTGGCTGAGGGCCTGGAGCCCCTGAGTGG-3'